The following is an entry in ClinVar:

ClinVar aggregate classification (germline): Pathogenic (1 of 4 stars; one submission).

Conditions:
Isolated Noncompaction of the Ventricular Myocardium. Identifiers: MedGen C2717907, MeSH D056830.

Submission:

Loeys Lab, Universiteit Antwerpen
Classification: Pathogenic for Isolated Noncompaction of the Ventricular Myocardium. Last evaluated: 2021-02-26. Review status: criteria provided, single submitter. Criteria: ACMG Guidelines, 2015. Collection method: clinical testing. Allele origin: somatic. Affected: yes. Observed: 1 variant allele, 1 heterozygote.
Comment: This sequence change results in a frameshift variant in the LAMP2 gene (p.(Tyr223*)). This alteration is predicted to result in e a protein length change (PM4). Los of function is a known mechanism in Danonâ€™s disease (Nishino et al.;2000) (PVS1) . This variant has not been described in literature. However another variant resulting in the same amino acid change (c.669T>G; p.Tyr223*) has been described in a bot with Danon disease and was reported as likely pathogenic (Alawani et. al; 2019). (PSA) . This variant is not present in population databases (absent from GnomAD; PM2). In conclusion, this variant was classified as pathogenic according to ACMG-guidelines (PVS1 + PS1+PM2 +PM4).

Literature cited by the submitters: PubMed 10972294.

NM_002294.3(LAMP2):c.668dup (p.Tyr223Ter)

Gene: LAMP2 (lysosomal associated membrane protein 2; minus strand). Cytogenetic location: Xq24.
Variant type: Duplication.
Coding change: c.668dup on transcript NM_002294.3 (MANE Select); coding-DNA position 668, one base duplicated (A; older notation c.668dupA).
Protein change: p.Tyr223Ter; replaces tyrosine 223 with a stop codon.
Molecular consequence: nonsense.
Genome position (GRCh38, 1-based): chrX:120,447,914, T duplicated on the plus strand (A on the coding strand, the reverse complement: LAMP2 is on the minus strand). VCF-style (leftmost placement, unchanged base first): chrX-120447913-A-AT. GRCh37 (hg19) VCF-style: chrX-119581768-A-AT.
Other names: c.668dup, p.Tyr223Ter (NM_001122606.1, NM_013995.2); c.668dupA (NM_001122606.1); short protein forms Y223*.
Identifiers: ClinVar variation 1065183 (VCV001065183.2), dbSNP rs2147282415, ClinGen allele CA2499226352.